The following is an entry in ClinVar:

NM_153240.5(NPHP3):c.1743+3A>G

Genes: NPHP3 (nephrocystin 3; minus strand), NPHP3-ACAD11 (NPHP3-ACAD11 readthrough (NMD candidate); minus strand). Cytogenetic location: 3q22.1.
Variant type: single nucleotide variant.
Coding change: c.1743+3A>G on transcript NM_153240.5 (MANE Select); 3 bases into the intron after coding-DNA position 1743, A replaced by G.
Molecular consequence: intron variant.
Genome position (GRCh38, 1-based): chr3:132,700,331, T>C on the plus strand (A>G on the coding strand, the complement: NPHP3 is on the minus strand). VCF-style: chr3-132700331-T-C. GRCh37 (hg19) VCF-style: chr3-132419175-T-C.
Identifiers: ClinVar variation 1025864 (VCV001025864.7), dbSNP rs750181541, ClinGen allele CA2622223.

ClinVar aggregate classification (germline): Uncertain significance (1 of 4 stars; one submission).

Conditions:
Nephronophthisis. Also called: Juvenile Nephronophthisis. Identifiers: Orphanet 655, MedGen C0687120, MONDO:0019005, HP:0000090.

Allele frequency attached by ClinVar (database versions not stated): gnomAD exomes below 0.00001; ExAC 0.00001; gnomAD 0.00001.

Submission:

Labcorp Genetics (formerly Invitae), Labcorp
Classification: Uncertain significance for Nephronophthisis. Last evaluated: 2020-02-03. Review status: criteria provided, single submitter. Criteria: Invitae Variant Classification Sherloc (09022015). Collection method: clinical testing. Allele origin: germline.
Comment: Nucleotide substitutions within the consensus splice site are a relatively common cause of aberrant splicing (PMID: 17576681, 9536098). Algorithms developed to predict the effect of sequence changes on RNA splicing suggest that this variant may disrupt the consensus splice site, but this prediction has not been confirmed by published transcriptional studies. This variant has not been reported in the literature in individuals with NPHP3-related conditions. This variant is present in population databases (rs750181541, ExAC 0.002%). This sequence change falls in intron 11 of the NPHP3 gene. It does not directly change the encoded amino acid sequence of the NPHP3 protein, but it affects a nucleotide within the consensus splice site of the intron. In summary, the available evidence is currently insufficient to determine the role of this variant in disease. Therefore, it has been classified as a Variant of Uncertain Significance.

Literature cited by the submitters: PubMed 17576681; PubMed 9536098.